The following is an entry in ClinVar:

ClinVar aggregate classification (germline): Uncertain significance (1 of 4 stars; one submission).

Conditions:
Desmin-related myofibrillar myopathy (MFM1). Also called: Desminopathy; MYOFIBRILLAR MYOPATHY WITH ARRHYTHMOGENIC RIGHT VENTRICULAR CARDIOMYOPATHY; Myofibrillar myopathy 1; DESMIN-RELATED MYOPATHY WITH ARRHYTHMOGENIC RIGHT VENTRICULAR CARDIOMYOPATHY; Desmin related myopathy (former name); Desmin storage myopathy (former name). Identifiers: Orphanet 363543, Orphanet 98909, MedGen C1832370, MONDO:0011076, OMIM 601419.

Submission:

Concord Molecular Medicine Laboratory, Concord Repatriation General Hospital
Classification: Uncertain significance for Desmin-related myofibrillar myopathy. Last evaluated: 2024-09-16. Review status: criteria provided, single submitter. Criteria: ACMG Guidelines, 2015. Collection method: clinical testing. Allele origin: germline. Affected: yes. Observed: 1 heterozygote.
Comment: The variant has only been observed in one heterozygote in population database (gnomAD v4.1.0). The in-frame deletion is located within the filament head region, where multiple surrounding pathogenic missense variants have been reported. Pathogenic variants in the head region of desmin are also associated with a cardiomyopathy phenotype, where it binds with myospryn (PMID: 20718792).

NM_001927.4(DES):c.89_109del (p.Leu30_Pro36del)

Gene: DES (desmin; plus strand). Cytogenetic location: 2q35.
Variant type: Deletion.
Coding change: c.89_109del on transcript NM_001927.4 (MANE Select); coding-DNA positions 89 to 109, 21 bases deleted (TGAGTTCGCCCGTGTTCCCGC).
Protein change: p.Leu30_Pro36del.
Molecular consequence: inframe indel (on NM_001927.3).
Genome position (GRCh38, 1-based): chr2:219,418,551-219,418,571, TGAGTTCGCCCGTGTTCCCGC deleted; deleting any 21 consecutive bases within chr2:219,418,546-219,418,571 gives the same sequence; the c. name uses the placement nearest the transcript's 3' end. VCF-style (leftmost placement, unchanged base first): chr2-219418545-CCCCGCTGAGTTCGCCCGTGTT-C. GRCh37 (hg19) VCF-style: chr2-220283267-CCCCGCTGAGTTCGCCCGTGTT-C.
Other names: c.89_109del, p.Leu30_Pro36del (NM_001382708.1, NM_001382709.1, NM_001382710.1 and 3 more transcripts); c.89_109del21, p.Leu30_Pro36del (NM_001927.3).
Identifiers: ClinVar variation 3340466 (VCV003340466.2).
Genomic context (GRCh38, chr2:219,418,545, plus strand): 5'-GCCAGCGCGTGTCCTCCTACCGCCGCACCTTCGGCGGGGCCCCGGGCTTCCCACTCGGCT[CCCCGCTGAGTTCGCCCGTGTT>C]CCCGCGGGCGGGTTTCGGCTCTAAGGGCTCCTCCAGCTCGGTGACGTCCCGCGTGTACCA-3'